The following is an entry in ClinVar:

ClinVar aggregate classification (germline): Uncertain significance. Review status: criteria provided, single submitter (1 of 4 stars). 2 submissions from 2 submitters: Uncertain significance (1). 1 of the submissions does not count toward it. Last evaluated 2019-06-19.

Conditions:
Hereditary cancer-predisposing syndrome. Also called: Neoplastic Syndromes, Hereditary; Hereditary Cancer Syndrome; Tumor predisposition; Hereditary neoplastic syndrome. Identifiers: Orphanet 140162, MedGen C0027672, MeSH D009386, MONDO:0015356.

Submissions (2):

Color Diagnostics, LLC DBA Color Health
Classification: Uncertain significance for Hereditary cancer-predisposing syndrome. Last evaluated: 2019-06-19. Review status: criteria provided, single submitter. Criteria: ACMG Guidelines, 2015. Collection method: clinical testing. Allele origin: germline.

Department of Pathology and Laboratory Medicine, Sinai Health System
Classification: Uncertain significance. Review status: no assertion criteria provided. Collection method: clinical testing. Allele origin: unknown. Affected: yes. Study: The Canadian Open Genetics Repository (COGR). Not counted in ClinVar's aggregate classification.
Comment: The BRCA2 c.-10G>A variant was not identified in the literature nor was it identified in the dbSNP, LOVD 3.0 and UMD-LSDB databases. The variant was not identified in the following control databases: the Exome Aggregation Consortium (August 8th 2016), or the Genome Aggregation Database (Feb 27, 2017). An alternate substitution (c.-10G>C), has been identified in the Genome Aggregation Database (Feb 27, 2017) in 6 of 251134 chromosomes (freq: 0.00002), observed in the following population: South Asian in 6 of 30574 chromosomes (frequency: 0.0002) while not observed in African, Latino, Ashkenazi Jewish, East Asian, European (Finnish), European (non-Finnish) and Other populations; in addition, Clinvar classifies the variant as likely benign (submitter Invitae). The variant occurs in the noncoding 5â€šÃ„Ã´UTR region, and the clinical significance of this variant is unknown in terms of impacting transcriptional regulation of the BRCA2 gene, and requires further studies. In summary, based on the above information the clinical significance of this variant cannot be determined with certainty at this time. This variant is classified as a variant of uncertain significance.

NM_000059.4(BRCA2):c.-10G>A

Gene: BRCA2 (BRCA2 DNA repair associated; plus strand). Cytogenetic location: 13q13.1.
Variant type: single nucleotide variant.
Coding change: c.-10G>A on transcript NM_000059.4 (MANE Select); 10 bases upstream of the start codon, G replaced by A.
Molecular consequence: 5 prime UTR variant.
Genome position (GRCh38, 1-based): chr13:32,316,451, G>A. VCF-style: chr13-32316451-G-A. GRCh37 (hg19) VCF-style: chr13-32890588-G-A.
Identifiers: ClinVar variation 927174 (VCV000927174.3), dbSNP rs754814638, ClinGen allele CA913188512.